The following is an entry in ClinVar:

NM_005120.3(MED12):c.4070G>A (p.Arg1357His)

Gene: MED12 (mediator complex subunit 12; plus strand). Cytogenetic location: Xq13.1.
Variant type: single nucleotide variant.
Coding change: c.4070G>A on transcript NM_005120.3 (MANE Select); coding-DNA position 4070, G replaced by A.
Protein change: p.Arg1357His; replaces arginine 1357 with histidine.
Molecular consequence: missense variant.
Genome position (GRCh38, 1-based): chrX:71,131,572, G>A. VCF-style: chrX-71131572-G-A. GRCh37 (hg19) VCF-style: chrX-70351422-G-A.
Other names: c.4070G>A (NM_005120.2); short protein forms R1357H.
Identifiers: ClinVar variation 1210246 (VCV001210246.12), dbSNP rs2147811858, ClinGen allele CA413524894.

ClinVar aggregate classification (germline): Pathogenic/Likely pathogenic. Review status: criteria provided, multiple submitters, no conflicts (2 of 4 stars). 5 submissions from 5 submitters: Pathogenic (2); Likely pathogenic (2). 1 of the submissions does not count toward it. Last evaluated 2026-03-23.

Conditions:
FG syndrome (FGS). Identifiers: MedGen C0220769, MONDO:0002010.
MED12-Related Disorders. Also called: MED12-related condition; MED12-related disorder. Identifiers: MedGen CN381102.
FG syndrome 1 (OKS). Also called: FG Syndrome Type 1 (FGS1); OPITZ-KAVEGGIA SYNDROME; KELLER SYNDROME; MENTAL RETARDATION, LARGE HEAD, IMPERFORATE ANUS, CONGENITAL HYPOTONIA, AND PARTIAL AGENESIS OF CORPUS CALLOSUM. Identifiers: Orphanet 93932, MedGen C5399762, MONDO:0010590, OMIM 305450.

Submissions (5):

PreventionGenetics, part of Exact Sciences
Classification: Likely pathogenic for MED12-related condition. Last evaluated: 2026-03-23. Review status: criteria provided, single submitter. Criteria: ACMG Guidelines, 2015. Collection method: clinical testing. Allele origin: germline.
Comment: The MED12 c.4070G>A variant is predicted to result in the amino acid substitution p.Arg1357His. This variant has been reported to occur de novo in an individual undergoing testing for neurodevelopmental disorder (Table S1: patient 17, Polla et al. 2021. PubMed ID: 33244165). This variant has also been reported to occur de novo in a patient in the DECIPHER database with features of mild intellectual disability, epicanthus, and sandal gap (Caswell et al. 2022. PubMed ID: 35869530). This variant has not been reported in a large population database, indicating this variant is rare. Taken together, we interpret this variant as likely pathogenic.

GeneDx
Classification: Pathogenic. Last evaluated: 2022-01-10. Review status: criteria provided, single submitter. Criteria: GeneDx Variant Classification Process June 2021. Collection method: clinical testing. Allele origin: germline. Affected: yes.
Comment: Not observed in large population cohorts (gnomAD); In silico analysis, which includes protein predictors and evolutionary conservation, supports a deleterious effect; This variant is associated with the following publications: (PMID: 33244165, 20301719)

Blueprint Genetics
Classification: Likely pathogenic for MED12-related disorders. Last evaluated: 2022-01-05. Review status: criteria provided, single submitter. Criteria: ACMG Guidelines, 2015. Collection method: clinical testing. Allele origin: germline. Affected: yes. Observed: 3 variant alleles.

Labcorp Genetics (formerly Invitae), Labcorp
Classification: Pathogenic for FG syndrome. Last evaluated: 2021-12-25. Review status: criteria provided, single submitter. Criteria: Invitae Variant Classification Sherloc (09022015). Collection method: clinical testing. Allele origin: germline.
Comment: This variant is not present in population databases (gnomAD no frequency). For these reasons, this variant has been classified as Pathogenic. Advanced modeling of protein sequence and biophysical properties (such as structural, functional, and spatial information, amino acid conservation, physicochemical variation, residue mobility, and thermodynamic stability) performed at Invitae indicates that this missense variant is expected to disrupt MED12 protein function. ClinVar contains an entry for this variant (Variation ID: 1210246). This missense change has been observed in individual(s) with MED12-related conditions (PMID: 33244165). In at least one individual the variant was observed to be de novo. This sequence change replaces arginine, which is basic and polar, with histidine, which is basic and polar, at codon 1357 of the MED12 protein (p.Arg1357His).

GeneReviews
No classification provided. Condition: FG syndrome. Review status: no classification provided. Collection method: literature only. Allele origin: germline. Not counted in ClinVar's aggregate classification.

Literature cited by the submitters: PubMed 33244165 (cited by Labcorp Genetics (formerly Invitae), Labcorp and GeneReviews); PubMed 20301719 (cited by GeneReviews).